The following is an entry in ClinVar:

NM_005732.4(RAD50):c.1391dup (p.Leu464fs)

Gene: RAD50 (RAD50 double strand break repair protein; plus strand). Cytogenetic location: 5q31.1.
Variant type: Duplication.
Coding change: c.1391dup on transcript NM_005732.4 (MANE Select); coding-DNA position 1391, one base duplicated (T; older notation c.1391dupT).
Protein change: p.Leu464fs; shifts the reading frame from leucine 464.
Molecular consequence: frameshift variant.
Genome position (GRCh38, 1-based): chr5:132,589,776, T duplicated; the last of 2 consecutive T bases (chr5:132,589,775-132,589,776); duplicating either gives the same sequence. VCF-style (leftmost placement, unchanged base first): chr5-132589774-A-AT. GRCh37 (hg19) VCF-style: chr5-131925466-A-AT.
Other names: c.1391dupT (NM_005732.3); short protein forms L464fs.
Identifiers: ClinVar variation 647815 (VCV000647815.7), dbSNP rs1580993525, ClinGen allele CA915943549.

ClinVar aggregate classification (germline): Pathogenic (1 of 4 stars; one submission).

Conditions:
Hereditary cancer-predisposing syndrome. Also called: Hereditary Cancer Syndrome; Tumor predisposition; Hereditary neoplastic syndrome; Neoplastic Syndromes, Hereditary. Identifiers: Orphanet 140162, MedGen C0027672, MeSH D009386, MONDO:0015356.

Submission:

Labcorp Genetics (formerly Invitae), Labcorp
Classification: Pathogenic for Hereditary cancer-predisposing syndrome. Last evaluated: 2021-12-08. Review status: criteria provided, single submitter. Criteria: Invitae Variant Classification Sherloc (09022015). Collection method: clinical testing. Allele origin: germline.
Comment: This sequence change creates a premature translational stop signal (p.Leu464Phefs*13) in the RAD50 gene. It is expected to result in an absent or disrupted protein product. Loss-of-function variants in RAD50 are known to be pathogenic (PMID: 19409520). This variant is not present in population databases (gnomAD no frequency). This variant has not been reported in the literature in individuals affected with RAD50-related conditions. ClinVar contains an entry for this variant (Variation ID: 647815). For these reasons, this variant has been classified as Pathogenic.

Literature cited by the submitters: PubMed 19409520.